The following is an entry in ClinVar:

NM_020987.5(ANK3):c.2984del (p.Gly995fs)

Gene: ANK3 (ankyrin 3; minus strand). Cytogenetic location: 10q21.2.
Variant type: Deletion.
Coding change: c.2984del on transcript NM_020987.5 (MANE Select); coding-DNA position 2984, one base deleted (G; older notation c.2984delG).
Protein change: p.Gly995fs; shifts the reading frame from glycine 995.
Molecular consequence: frameshift variant.
Genome position (GRCh38, 1-based): chr10:60,109,019, C deleted on the plus strand (G on the coding strand, the reverse complement: ANK3 is on the minus strand); the first of 5 consecutive C bases (chr10:60,109,019-60,109,023); deleting any one gives the same sequence. VCF-style (leftmost placement, unchanged base first): chr10-60109018-GC-G. GRCh37 (hg19) VCF-style: chr10-61868776-GC-G.
Other names: c.386del, p.Gly129fs (NM_001149.4); c.2966del, p.Gly989fs (NM_001204403.2); c.2987del, p.Gly996fs (NM_001204404.2); c.2984del, p.Gly995fs (NM_001320874.2); short protein forms G129fs, G996fs, G989fs, G995fs.
Identifiers: ClinVar variation 424272 (VCV000424272.2), dbSNP rs1064796890, ClinGen allele CA16618963.

ClinVar aggregate classification (germline): Uncertain significance (1 of 4 stars; one submission).

Submission:

GeneDx
Classification: Uncertain significance. Last evaluated: 2017-03-10. Review status: criteria provided, single submitter. Criteria: GeneDx Variant Classification (06012015). Collection method: clinical testing. Allele origin: germline. Affected: yes.
Comment: A variant of uncertain significance has been identified in the ANK3 gene. The c.2984delG variant has not been published as a pathogenic variant, nor has it been reported as a benign variant to our knowledge. It is not observed in large population cohorts (Lek et al., 2016; 1000 Genomes Consortium et al., 2015; Exome Variant Server). The c.2984delG variant causes a frameshift starting with codon Glycine 995, changes this amino acid to an Alanine residue and creates a premature Stop codon at position 3 of the new reading frame, denoted p.Gly995AlafsX3. This variant is predicted to cause loss of normal protein function either through protein truncation or nonsense-mediated mRNA decay. Based on the currently available information, it is unclear whether the c.2984delG variant is a pathogenic variant or a rare benign variant.